The following is an entry in ClinVar:

ClinVar aggregate classification (germline): Benign (1 of 4 stars; one submission).

Conditions:
Chondrodysplasia with joint dislocations, gPAPP type. Also called: GPAPP DEFICIENCY. Identifiers: Orphanet 280586, MedGen C3279757, MONDO:0013561, OMIM 614078.

Allele frequency attached by ClinVar (database versions not stated): gnomAD 0.02110 and 0.02271; TOPMed 0.02416; 1000 Genomes Project 0.02596; 1000 Genomes Project 30x 0.02842.

Submission:

Illumina Laboratory Services, Illumina
Classification: Benign for Chondrodysplasia with joint dislocations, gPAPP type. Last evaluated: 2018-01-13. Review status: criteria provided, single submitter. Criteria: ICSL Variant Classification Criteria 13 December 2019. Collection method: clinical testing. Allele origin: germline.
Comment: This variant was observed in the ICSL laboratory as part of a predisposition screen in an ostensibly healthy population. It had not been previously curated by ICSL or reported in the Human Gene Mutation Database (HGMD: prior to June 1st, 2018), and was therefore a candidate for classification through an automated scoring system. Utilizing variant allele frequency, disease prevalence and penetrance estimates, and inheritance mode, an automated score was calculated to assess if this variant is too frequent to cause the disease. Based on the score and internal cut-off values, a variant classified as benign is not then subjected to further curation. The score for this variant resulted in a classification of benign for this disease.

NM_017813.5(BPNT2):c.*5512T>C

Gene: BPNT2 (3'(2'), 5'-bisphosphate nucleotidase 2; minus strand). Cytogenetic location: 8q12.1.
Variant type: single nucleotide variant.
Coding change: c.*5512T>C on transcript NM_017813.5 (MANE Select); 5512 bases downstream of the stop codon, T replaced by C.
Molecular consequence: 3 prime UTR variant.
Genome position (GRCh38, 1-based): chr8:56,958,281, A>G on the plus strand (T>C on the coding strand, the complement: BPNT2 is on the minus strand). VCF-style: chr8-56958281-A-G. GRCh37 (hg19) VCF-style: chr8-57870840-A-G.
Identifiers: ClinVar variation 363326 (VCV000363326.5), dbSNP rs9315, ClinGen allele CA10631285.
Genomic context (GRCh38, chr8:56,958,281, plus strand): 5'-ATTAAGTACTTAATTTGTGCAAGAGACTGGGCTATGTGCTGGGGGTGAGGTGGAAATACA[A>G]AAACACTAAGATGCAATCCCTCTCAAGAACTGTATAATCTAGTAAGAGCACATACAGAGA-3'